The following is an entry in ClinVar:

NM_001349338.3(FOXP1):c.1146+1G>C

Gene: FOXP1 (forkhead box P1; minus strand). Cytogenetic location: 3p13.
Variant type: single nucleotide variant.
Coding change: c.1146+1G>C on transcript NM_001349338.3 (MANE Select); the canonical splice donor site of the intron after coding-DNA position 1146, G replaced by C.
Molecular consequence: splice donor variant.
Genome position (GRCh38, 1-based): chr3:70,987,993, C>G on the plus strand (G>C on the coding strand, the complement: FOXP1 is on the minus strand). VCF-style: chr3-70987993-C-G. GRCh37 (hg19) VCF-style: chr3-71037144-C-G.
Other names: c.1146+1G>C (NM_001244810.2, NM_032682.6, NM_001349340.3 and 3 more transcripts); c.1143+1G>C (NM_001349341.3); c.918+1G>C (NM_001244812.3); c.843+1G>C (NM_001349343.3, NM_001349337.2, NM_001349344.3); c.846+1G>C (NM_001349342.3, NM_001370548.1, NM_001244815.2 and 1 more transcripts).
Identifiers: ClinVar variation 633220 (VCV000633220.1), dbSNP rs1559650552, ClinGen allele CA353494583.

ClinVar aggregate classification (germline): Likely pathogenic (1 of 4 stars; one submission).

Conditions:
Intellectual disability-severe speech delay-mild dysmorphism syndrome (IDDLA). Also called: Intellectual developmental disorder with language impairment AND with or without autistic features; Mental retardation with language impairment and autistic features; FOXP1 Syndrome. Identifiers: Orphanet 391372, MedGen C4013764, MONDO:0013352, OMIM 613670.

Submission:

Women's Health and Genetics/Laboratory Corporation of America, LabCorp
Classification: Likely pathogenic for MENTAL RETARDATION WITH LANGUAGE IMPAIRMENT AND AUTISTIC FEATURES. Last evaluated: 2018-07-17. Review status: criteria provided, single submitter. Criteria: LabCorp Variant Classification Summary - May 2015. Collection method: clinical testing. Allele origin: germline.
Comment: Variant summary: FOXP1 c.1146+1G>C is located in a canonical splice-site and is predicted to affect mRNA splicing resulting in a significantly altered protein due to either exon skipping, shortening, or inclusion of intronic material. Several computational tools predict a significant impact on normal splicing: Five predict the variant abolishes a 5 splicing donor site. However, these predictions have yet to be confirmed by functional studies. The variant was absent in 277028 control chromosomes (gnomAD). To our knowledge, no occurrence of c.1146+1G>C in individuals affected with Mental retardation with language impairment and with or without autistic features and no experimental evidence demonstrating its impact on protein function have been reported. No clinical diagnostic laboratories have submitted clinical-significance assessments for this variant to ClinVar after 2014. Based on the evidence outlined above, the variant was classified as likely pathogenic.